The following is an entry in ClinVar:

ClinVar aggregate classification (germline): Uncertain significance. Review status: criteria provided, multiple submitters, no conflicts (2 of 4 stars). 2 submissions from 2 submitters: Uncertain significance (2). Last evaluated 2025-08-05.

Conditions:
Vitamin B2 deficiency. Identifiers: MedGen C0035528.

Allele frequency attached by ClinVar (database versions not stated): gnomAD exomes below 0.00001 and 0.00001; TOPMed 0.00001.
gnomAD v4.1: 2 of 1,613,868 alleles (0.00012%); highest among the groups gnomAD compares: Admixed American, 0.0033%; no homozygotes.

Submissions (2):

Ambry Genetics
Classification: Uncertain significance. Last evaluated: 2025-08-05. Review status: criteria provided, single submitter. Criteria: Ambry Variant Classification Scheme 2023. Collection method: clinical testing. Allele origin: germline.

Labcorp Genetics (formerly Invitae), Labcorp
Classification: Uncertain significance for Vitamin B2 deficiency. Last evaluated: 2020-10-09. Review status: criteria provided, single submitter. Criteria: Invitae Variant Classification Sherloc (09022015). Collection method: clinical testing. Allele origin: germline.
Comment: In summary, the available evidence is currently insufficient to determine the role of this variant in disease. Therefore, it has been classified as a Variant of Uncertain Significance. Algorithms developed to predict the effect of missense changes on protein structure and function are either unavailable or do not agree on the potential impact of this missense change (SIFT: "Deleterious"; PolyPhen-2: "Benign"; Align-GVGD: "Class C55"). This variant has not been reported in the literature in individuals with SLC52A1-related disease. This variant is not present in population databases (ExAC no frequency). This sequence change replaces valine with alanine at codon 317 of the SLC52A1 protein (p.Val317Ala). The valine residue is highly conserved and there is a small physicochemical difference between valine and alanine.

NM_017986.4(SLC52A1):c.950T>C (p.Val317Ala)

Gene: SLC52A1 (solute carrier family 52 member 1; minus strand). Cytogenetic location: 17p13.2.
Variant type: single nucleotide variant.
Coding change: c.950T>C on transcript NM_017986.4 (MANE Select); coding-DNA position 950, T replaced by C.
Protein change: p.Val317Ala; replaces valine 317 with alanine.
Molecular consequence: missense variant.
Genome position (GRCh38, 1-based): chr17:5,033,539, A>G on the plus strand (T>C on the coding strand, the complement: SLC52A1 is on the minus strand). VCF-style: chr17-5033539-A-G. GRCh37 (hg19) VCF-style: chr17-4936834-A-G.
Other names: c.950T>C, p.Val317Ala (NM_001104577.2); c.950T>C (NM_001104577.1); short protein forms V317A.
Identifiers: ClinVar variation 665487 (VCV000665487.11), dbSNP rs1004440864, ClinGen allele CA287194907.